The following is an entry in ClinVar:

ClinVar aggregate classification (germline): Uncertain significance (1 of 4 stars; one submission).

Conditions:
Joubert syndrome. Also called: Familial aplasia of the vermis; CEREBELLOPARENCHYMAL DISORDER IV; JOUBERT-BOLTSHAUSER SYNDROME. Identifiers: Orphanet 475, MedGen C5979921, MONDO:0018772.

Submission:

Labcorp Genetics (formerly Invitae), Labcorp
Classification: Uncertain significance for Joubert syndrome. Last evaluated: 2021-04-16. Review status: criteria provided, single submitter. Criteria: Invitae Variant Classification Sherloc (09022015). Collection method: clinical testing. Allele origin: germline.
Comment: In summary, the available evidence is currently insufficient to determine the role of this variant in disease. Therefore, it has been classified as a Variant of Uncertain Significance. Advanced modeling of protein sequence and biophysical properties (such as structural, functional, and spatial information, amino acid conservation, physicochemical variation, residue mobility, and thermodynamic stability) performed at Invitae indicates that this missense variant is not expected to disrupt AHI1 protein function. This variant has been observed in individual(s) with clinical features of Joubert syndrome (Invitae). In at least one individual the data is consistent with the variant being in trans (on the opposite chromosome) from a pathogenic variant. ClinVar contains an entry for this variant (Variation ID: 1005908). This variant is not present in population databases (ExAC no frequency). This sequence change replaces threonine with proline at codon 788 of the AHI1 protein (p.Thr788Pro). The threonine residue is weakly conserved and there is a small physicochemical difference between threonine and proline.

NM_001134831.2(AHI1):c.2362A>C (p.Thr788Pro)

Gene: AHI1 (Abelson helper integration site 1; minus strand). Cytogenetic location: 6q23.3.
Variant type: single nucleotide variant.
Coding change: c.2362A>C on transcript NM_001134831.2 (MANE Select); coding-DNA position 2362, A replaced by C.
Protein change: p.Thr788Pro; replaces threonine 788 with proline.
Molecular consequence: missense variant.
Genome position (GRCh38, 1-based): chr6:135,431,219, T>G on the plus strand (A>C on the coding strand, the complement: AHI1 is on the minus strand). VCF-style: chr6-135431219-T-G. GRCh37 (hg19) VCF-style: chr6-135752357-T-G.
Other names: c.2362A>C, p.Thr788Pro (NM_001134830.2, NM_001134832.2, NM_001350503.2 and 2 more transcripts); short protein forms T788P.
Identifiers: ClinVar variation 1005908 (VCV001005908.9), dbSNP rs1583199499, ClinGen allele CA365743123.